The following is an entry in ClinVar:

ClinVar aggregate classification (germline): Likely benign (0 of 4 stars; one submission).

Conditions:
RPS6KA3-related disorder. Also called: RPS6KA3-related condition.

gnomAD v4.1: 2 of 1,045,626 alleles (0.00019%); highest among the groups gnomAD compares: Non-Finnish European, 0.00027%; no homozygotes.

Submission:

PreventionGenetics, part of Exact Sciences
Classification: Likely benign for RPS6KA3-related condition. Last evaluated: 2024-09-15. Review status: no assertion criteria provided. Collection method: clinical testing. Allele origin: germline.
Comment: This variant is classified as likely benign based on ACMG/AMP sequence variant interpretation guidelines (Richards et al. 2015 PMID: 25741868, with internal and published modifications).

NM_004586.3(RPS6KA3):c.326-12A>G

Gene: RPS6KA3 (ribosomal protein S6 kinase A3; minus strand). Cytogenetic location: Xp22.12.
Variant type: single nucleotide variant.
Coding change: c.326-12A>G on transcript NM_004586.3 (MANE Select); 12 bases into the intron before coding-DNA position 326, A replaced by G.
Molecular consequence: intron variant.
Genome position (GRCh38, 1-based): chrX:20,195,157, T>C on the plus strand (A>G on the coding strand, the complement: RPS6KA3 is on the minus strand). VCF-style: chrX-20195157-T-C. GRCh37 (hg19) VCF-style: chrX-20213275-T-C.
Identifiers: ClinVar variation 3345970 (VCV003345970.1).